The following is an entry in ClinVar:

ClinVar aggregate classification (germline): Conflicting classifications of pathogenicity. Review status: criteria provided, conflicting classifications (1 of 4 stars). 3 submissions from 3 submitters: Uncertain significance (2); Likely benign (1). Last evaluated 2025-12-09.

Conditions:
LOXHD1-related disorder. Also called: LOXHD1-related condition.
Inborn genetic diseases. Identifiers: MedGen C0950123, MeSH D030342.

Allele frequency attached by ClinVar (database versions not stated): TOPMed 0.00002; gnomAD exomes 0.00003.
gnomAD v4.1: 6 of 1,552,322 alleles (0.00039%); highest among the groups gnomAD compares: Admixed American, 0.0098%; no homozygotes.

Submissions (3):

Ambry Genetics
Classification: Uncertain significance for Inborn genetic diseases. Last evaluated: 2025-12-09. Review status: criteria provided, single submitter. Criteria: Ambry Variant Classification Scheme 2023. Collection method: clinical testing. Allele origin: germline.

PreventionGenetics, part of Exact Sciences
Classification: Uncertain significance for LOXHD1-related condition. Last evaluated: 2025-09-09. Review status: criteria provided, single submitter. Criteria: ACMG Guidelines, 2015. Collection method: clinical testing. Allele origin: germline.
Comment: The LOXHD1 c.3293A>G variant is predicted to result in the amino acid substitution p.Asn1098Ser. To our knowledge, this variant has not been reported in the literature. This variant is reported in 0.020% of alleles in individuals of Latino descent in gnomAD. At this time, the clinical significance of this variant is uncertain due to the absence of conclusive functional and genetic evidence.

Laboratory for Molecular Medicine, Mass General Brigham Personalized Medicine
Classification: Likely benign. Last evaluated: 2016-04-07. Review status: criteria provided, single submitter. Criteria: LMM Criteria. Collection method: clinical testing. Allele origin: germline. Observed: 1 variant allele.
Comment: p.Asn1098Ser in exon 21 of LOXHD1: This variant is not expected to have clinical significance due to a lack of conservation across species, including mammals. O f note, 7 have an serine (Ser) at this position despite high nearby amino acid c onservation. In addition, computational prediction tools do not suggest a high l ikelihood of impact to the protein.

NM_001384474.1(LOXHD1):c.3293A>G (p.Asn1098Ser)

Gene: LOXHD1 (lipoxygenase homology PLAT domains 1; minus strand). Cytogenetic location: 18q21.1.
Variant type: single nucleotide variant.
Coding change: c.3293A>G on transcript NM_001384474.1 (MANE Select); coding-DNA position 3293, A replaced by G.
Protein change: p.Asn1098Ser; replaces asparagine 1098 with serine.
Molecular consequence: missense variant. On other transcripts: 5 prime UTR variant (1).
Genome position (GRCh38, 1-based): chr18:46,557,413, T>C on the plus strand (A>G on the coding strand, the complement: LOXHD1 is on the minus strand). VCF-style: chr18-46557413-T-C. GRCh37 (hg19) VCF-style: chr18-44137376-T-C.
Other names: c.-41A>G (NM_001145472.3); c.3293A>G, p.Asn1098Ser (NM_144612.7); short protein forms N1098S.
Identifiers: ClinVar variation 227517 (VCV000227517.6), dbSNP rs876657494, ClinGen allele CA10577078.
Genomic context (GRCh38, chr18:46,557,413, plus strand): 5'-CACGTGATCTCGTTGTTCATGTCAGTAATGTCTATTCTGTCCAGGAACCAGCCTGCTCTG[T>C]TGCCTGTGTTGTCGTGGCGAATCCGAATCTTGGTCAGGGCCCCCAGGTCAATGGCATAGA-3'
Protein context (NP_001371403.1, residues 1088-1108): KIRIRHDNTG[Asn1098Ser]RAGWFLDRID